The following is an entry in ClinVar:

NM_006070.6(TFG):c.316C>T (p.Arg106Cys)

Gene: TFG (trafficking from ER to golgi regulator; plus strand). Cytogenetic location: 3q12.2.
Variant type: single nucleotide variant.
Coding change: c.316C>T on transcript NM_006070.6 (MANE Select); coding-DNA position 316, C replaced by T.
Protein change: p.Arg106Cys; replaces arginine 106 with cysteine.
Molecular consequence: missense variant.
Genome position (GRCh38, 1-based): chr3:100,728,759, C>T. VCF-style: chr3-100728759-C-T. GRCh37 (hg19) VCF-style: chr3-100447603-C-T.
Other names: c.316C>T, p.Arg106Cys (NM_001007565.2, NM_001195478.2, NM_001195479.2); short protein forms R106C.
Identifiers: ClinVar variation 100909 (VCV000100909.23), dbSNP rs587777175, ClinGen allele CA150664.

ClinVar aggregate classification (germline): Pathogenic. Review status: criteria provided, multiple submitters, no conflicts (2 of 4 stars). 6 submissions from 6 submitters: Pathogenic (3). 3 of the submissions do not count toward it. Last evaluated 2025-09-29.

Conditions:
Hereditary spastic paraplegia 57. Also called: Spastic paraplegia 57, autosomal recessive. Identifiers: Orphanet 431329, MedGen C3714897, MONDO:0014295, OMIM 615658.
Hereditary motor and sensory neuropathy, Okinawa type (HMSNO). Also called: HEREDITARY MOTOR AND SENSORY NEUROPATHY, PROXIMAL TYPE. Identifiers: Orphanet 90117, MedGen C1858338, MONDO:0011468, OMIM 604484.
Inborn genetic diseases. Identifiers: MedGen C0950123, MeSH D030342.

Allele frequency attached by ClinVar (database versions not stated): gnomAD exomes 0.00003 and 0.00004; TOPMed below 0.00001; gnomAD 0.00001; ExAC 0.00005.

Submissions (6):

Labcorp Genetics (formerly Invitae), Labcorp
Classification: Pathogenic for Hereditary motor and sensory neuropathy, Okinawa type; Hereditary spastic paraplegia 57. Last evaluated: 2025-09-29. Review status: criteria provided, single submitter. Criteria: Invitae Variant Classification Sherloc (09022015). Collection method: clinical testing. Allele origin: germline.
Comment: This sequence change replaces arginine, which is basic and polar, with cysteine, which is neutral and slightly polar, at codon 106 of the TFG protein (p.Arg106Cys). This variant is present in population databases (rs587777175, gnomAD 0.009%). This missense change has been observed in individuals with autosomal recessive hereditary spastic paraplegia (PMID: 23479643, 27492651, 29971521). It has also been observed to segregate with disease in related individuals. ClinVar contains an entry for this variant (Variation ID: 100909). Invitae Evidence Modeling of protein sequence and biophysical properties (such as structural, functional, and spatial information, amino acid conservation, physicochemical variation, residue mobility, and thermodynamic stability) indicates that this missense variant is not expected to disrupt TFG protein function with a negative predictive value of 80%. Experimental studies have shown that this missense change affects TFG function (PMID: 23479643, 27492651, 30157421). For these reasons, this variant has been classified as Pathogenic.

GeneDx
Classification: Pathogenic. Last evaluated: 2021-06-30. Review status: criteria provided, single submitter. Criteria: GeneDx Variant Classification Process June 2021. Collection method: clinical testing. Allele origin: germline. Affected: yes.
Comment: Published functional studies demonstrate damaging effects on protein secretion from the endoplasmic reticulum (ER), ER morphology, and mitochondrial dysfunction (Beetz et al., 2013; Harlalka et al., 2016; Slosarek et al., 2018); Not observed at a significant frequency in large population cohorts (Lek et al., 2016); This variant is associated with the following publications: (PMID: 27535533, 32488467, 30157421, 30221345, 26945032, 24954637, 27813252, 25098539, 24613659, 27601211, 27492651, 29971521, 23479643)

Ambry Genetics
Classification: Pathogenic for Inborn genetic diseases. Last evaluated: 2020-12-18. Review status: criteria provided, single submitter. Criteria: Ambry Variant Classification Scheme 2023. Collection method: clinical testing. Allele origin: germline.
Comment: The p.R106C variant (also known as c.316C>T), located in coding exon 3 of the TFG gene, results from a C to T substitution at nucleotide position 316. The arginine at codon 106 is replaced by cysteine, an amino acid with highly dissimilar properties. This variant was detected in the homozygous state in multiple unrelated families and segregates with autosomal recessive hereditary spastic paraplegia and optic nerve hypoplasia in affected relatives (Beetz C et al. Proc Natl Acad Sci U S A, 2013 Mar;110:5091-6; Harlalka GV et al. Hum Mutat, 2016 11;37:1157-1161; Kvarnung M et al. Clin Genet, 2018 12;94:528-537; Catania A et al. Neurogenetics, 2018 08;19:179-187). Functional studies with this alteration show impaired TFG protein oligomerization leading to abnormal ER function (Beetz C et al. Proc Natl Acad Sci U S A, 2013 Mar;110:5091-6; Harlalka GV et al. Hum Mutat, 2016 11;37:1157-1161; Slosarek EL et al. Cell Rep, 2018 08;24:2248-2260). Based on the supporting evidence, this variant is pathogenic for spastic paraplegia 57 (SPG57); however, the clinical significance for hereditary motor and sensory neuropathy, Okinawa type (HMSN-P) is unclear.

Genetic Services Laboratory, University of Chicago
Classification: Pathogenic. Last evaluated: 2022-05-10. Review status: no assertion criteria provided. Collection method: clinical testing. Allele origin: germline. Affected: yes. Not counted in ClinVar's aggregate classification.
Comment: DNA sequence analysis of the TGF gene demonstrated a sequence change, c.316C>T, in exon 4 that results in an amino acid change, p.Arg106Cys. The p.Arg106Cys change affects a highly conserved amino acid residue located in a domain of the TFG protein that is not known to be functional. In-silico pathogenicity prediction tools (SIFT, PolyPhen2, Align GVGD, REVEL) provide contradictory results for the p.Arg106Cys substitution. This sequence change has been described in the gnomAD database with a frequency of 0.0086% in the non-Finnish European subpopulation (dbSNP rs587777175). This pathogenic sequence change has previously been described in the homozygous state in individuals with autosomal recessive spastic paraplegia (PMID: 23479643, 27492651, 29971521). Heterozygous pathogenic variants have also been described in individuals with autosomal dominant hereditary motor and sensory neuropathy (PMID: 22883144). However, variants associated with autosomal dominant conditions appear to be located in a different region of the protein than the p.Arg106Cys substitution (PMID: 26945032). Heterozygous carriers of the p.Arg106Cys change have not been reported to be affected. The TGF cDNA reference sequence used is NM_006070.5

Clinical Genetics Laboratory, University Hospital Schleswig-Holstein
Classification: Pathogenic for Hereditary spastic paraplegia 57. Last evaluated: 2021-10-05. Review status: no assertion criteria provided. Collection method: clinical testing. Allele origin: germline. Affected: yes. Not counted in ClinVar's aggregate classification.

OMIM
Classification: Pathogenic for SPASTIC PARAPLEGIA 57, AUTOSOMAL RECESSIVE (1 family). Last evaluated: 2013-03-26. Review status: no assertion criteria provided. Collection method: literature only. Allele origin: germline. Not counted in ClinVar's aggregate classification.

Literature cited by the submitters: PubMed 23479643 (cited by 3 submitters); PubMed 27492651 (cited by Labcorp Genetics (formerly Invitae), Labcorp and Ambry Genetics); PubMed 29971521 (cited by Labcorp Genetics (formerly Invitae), Labcorp and Ambry Genetics); PubMed 30157421 (cited by Labcorp Genetics (formerly Invitae), Labcorp and Ambry Genetics); PubMed 30221345 (cited by Ambry Genetics).